The following is an entry in ClinVar:

NM_005476.7(GNE):c.1816+2T>C

Gene: GNE (glucosamine (UDP-N-acetyl)-2-epimerase/N-acetylmannosamine kinase; minus strand). Cytogenetic location: 9p13.3.
Variant type: single nucleotide variant.
Coding change: c.1816+2T>C on transcript NM_005476.7 (MANE Select); the canonical splice donor site of the intron after coding-DNA position 1816, T replaced by C.
Molecular consequence: splice donor variant.
Genome position (GRCh38, 1-based): chr9:36,219,836, A>G on the plus strand (T>C on the coding strand, the complement: GNE is on the minus strand). VCF-style: chr9-36219836-A-G. GRCh37 (hg19) VCF-style: chr9-36219833-A-G.
Other names: c.1639+2T>C (NM_001190388.2, NM_001374798.1); c.1909+2T>C (NM_001128227.3, NM_001128227.2); c.1486+2T>C (NM_001190384.3); c.1663+2T>C (NM_001374797.1); c.1594+2T>C (NM_001190383.3).
Identifiers: ClinVar variation 2436641 (VCV002436641.4), dbSNP rs1828502810, ClinGen allele CA373425456.

ClinVar aggregate classification (germline): Pathogenic/Likely pathogenic. Review status: criteria provided, multiple submitters, no conflicts (2 of 4 stars). 2 submissions from 2 submitters: Pathogenic (1); Likely pathogenic (1). Last evaluated 2026-01-21.

Conditions:
GNE myopathy (NM). Also called: IBM 2; Inclusion body myopathy autosomal recessive; Inclusion body myopathy quadriceps sparing; MYOPATHY, DISTAL, WITH OR WITHOUT RIMMED VACUOLES; NONAKA DISTAL MYOPATHY; INCLUSION BODY MYOPATHY, HEREDITARY, AUTOSOMAL RECESSIVE. Identifiers: Orphanet 602, MedGen C1853926, MONDO:0011603, OMIM 605820.

Allele frequency attached by ClinVar (database versions not stated): gnomAD 0.00001.
gnomAD v4.1: 1 of 1,613,594 alleles (0.000062%); highest among the groups gnomAD compares: South Asian, 0.0011%; no homozygotes.

Submissions (2):

Natera, Inc.
Classification: Likely pathogenic for Nonaka myopathy. Last evaluated: 2026-01-21. Review status: criteria provided, single submitter. Criteria: Natera Variant Classification Schema (03/2026). Collection method: clinical testing. Allele origin: germline.
Comment: The c.1909+2T>C variant in GNE is a canonical splice donor site variant predicted to affect pre-mRNA splicing, which may result in an abnormal transcript and altered protein product. This variant is expected to result in nonsense mediated decay, truncation, or a dysfunctional protein product. This variant is rare in the general population with a frequency below the threshold expected for the associated phenotype(s). This variant has been observed in one or more individuals affected with the associated recessive disease, as either homozygous or compound heterozygous with a second variant (PMID: 29480215). Given the available evidence, this variant is classified as Likely Pathogenic.

Revvity Omics, Revvity
Classification: Pathogenic. Last evaluated: 2022-06-25. Review status: criteria provided, single submitter. Criteria: ACMG Guidelines, 2015. Collection method: clinical testing. Allele origin: germline.

Literature cited by the submitters: PubMed 29480215 (cited by Natera, Inc.).